The following is an entry in ClinVar:

NM_001558.4(IL10RA):c.1432G>A (p.Gly478Arg)

Gene: IL10RA (interleukin 10 receptor subunit alpha; plus strand). Cytogenetic location: 11q23.3.
Variant type: single nucleotide variant.
Coding change: c.1432G>A on transcript NM_001558.4 (MANE Select); coding-DNA position 1432, G replaced by A.
Protein change: p.Gly478Arg; replaces glycine 478 with arginine.
Molecular consequence: missense variant. On other transcripts: non-coding transcript variant (1).
Genome position (GRCh38, 1-based): chr11:117,999,336, G>A. VCF-style: chr11-117999336-G-A. GRCh37 (hg19) VCF-style: chr11-117870051-G-A.
Other names: short protein forms G478R.
Identifiers: ClinVar variation 661922 (VCV000661922.8), dbSNP rs755271070, ClinGen allele CA6299185.

ClinVar aggregate classification (germline): Uncertain significance (1 of 4 stars; one submission).

Conditions:
Inflammatory bowel disease 28. Also called: Inflammatory bowel disease 28, early onset, autosomal recessive. Identifiers: Orphanet 238569, MedGen C2751053, MONDO:0013153, OMIM 613148.

Allele frequency attached by ClinVar (database versions not stated): ExAC 0.00003; gnomAD exomes 0.00004; gnomAD 0.00007; TOPMed 0.00012.
gnomAD v4.1: 78 of 1,614,106 alleles (0.0048%); highest among the groups gnomAD compares: Admixed American, 0.013%; no homozygotes.

Submission:

Labcorp Genetics (formerly Invitae), Labcorp
Classification: Uncertain significance for Inflammatory bowel disease 28. Last evaluated: 2022-06-29. Review status: criteria provided, single submitter. Criteria: Invitae Variant Classification Sherloc (09022015). Collection method: clinical testing. Allele origin: germline.
Comment: This sequence change replaces glycine, which is neutral and non-polar, with arginine, which is basic and polar, at codon 478 of the IL10RA protein (p.Gly478Arg). This variant is present in population databases (rs755271070, gnomAD 0.01%). This variant has not been reported in the literature in individuals affected with IL10RA-related conditions. ClinVar contains an entry for this variant (Variation ID: 661922). Algorithms developed to predict the effect of missense changes on protein structure and function output the following: SIFT: "Tolerated"; PolyPhen-2: "Benign"; Align-GVGD: "Class C0". The arginine amino acid residue is found in multiple mammalian species, which suggests that this missense change does not adversely affect protein function. Algorithms developed to predict the effect of sequence changes on RNA splicing suggest that this variant may create or strengthen a splice site. In summary, the available evidence is currently insufficient to determine the role of this variant in disease. Therefore, it has been classified as a Variant of Uncertain Significance.